The following is an entry in ClinVar:

ClinVar aggregate classification (germline): Uncertain significance. Review status: criteria provided, multiple submitters, no conflicts (2 of 4 stars). 2 submissions from 2 submitters: Uncertain significance (2). Last evaluated 2024-10-25.

Allele frequency attached by ClinVar (database versions not stated): gnomAD 0.00001 and 0.00002; TOPMed 0.00002; gnomAD exomes 0.00003; ExAC 0.00004.
gnomAD v4.1: 12 of 1,524,172 alleles (0.00079%); highest among the groups gnomAD compares: Admixed American, 0.019%; no homozygotes.

Submissions (2):

Labcorp Genetics (formerly Invitae), Labcorp
Classification: Uncertain significance. Last evaluated: 2024-10-25. Review status: criteria provided, single submitter. Criteria: Invitae Variant Classification Sherloc (09022015). Collection method: clinical testing. Allele origin: germline.
Comment: This sequence change replaces proline, which is neutral and non-polar, with serine, which is neutral and polar, at codon 904 of the TUBGCP6 protein (p.Pro904Ser). This variant is present in population databases (rs751701414, gnomAD 0.02%). This variant has not been reported in the literature in individuals affected with TUBGCP6-related conditions. ClinVar contains an entry for this variant (Variation ID: 1055157). An algorithm developed to predict the effect of missense changes on protein structure and function outputs the following: PolyPhen-2: "Benign". The serine amino acid residue is found in multiple mammalian species, which suggests that this missense change does not adversely affect protein function. In summary, the available evidence is currently insufficient to determine the role of this variant in disease. Therefore, it has been classified as a Variant of Uncertain Significance.

GeneDx
Classification: Uncertain significance. Last evaluated: 2023-07-17. Review status: criteria provided, single submitter. Criteria: GeneDx Variant Classification Process June 2021. Collection method: clinical testing. Allele origin: germline. Affected: yes.
Comment: In silico analysis supports that this missense variant does not alter protein structure/function; Has not been previously published as pathogenic or benign to our knowledge

NM_020461.4(TUBGCP6):c.2710C>T (p.Pro904Ser)

Gene: TUBGCP6 (tubulin gamma complex component 6; minus strand). Cytogenetic location: 22q13.33.
Variant type: single nucleotide variant.
Coding change: c.2710C>T on transcript NM_020461.4 (MANE Select); coding-DNA position 2710, C replaced by T.
Protein change: p.Pro904Ser; replaces proline 904 with serine.
Molecular consequence: missense variant.
Genome position (GRCh38, 1-based): chr22:50,221,649, G>A on the plus strand (C>T on the coding strand, the complement: TUBGCP6 is on the minus strand). VCF-style: chr22-50221649-G-A. GRCh37 (hg19) VCF-style: chr22-50660078-G-A.
Other names: c.2710C>T (NM_020461.3); short protein forms P904S.
Identifiers: ClinVar variation 1055157 (VCV001055157.7), dbSNP rs751701414, ClinGen allele CA10308137.